The following is an entry in ClinVar:

ClinVar aggregate classification (germline): Pathogenic. Review status: reviewed by expert panel (3 of 4 stars). 12 submissions from 12 submitters: Pathogenic (1). 11 of the submissions do not count toward it. Last evaluated 2024-08-07.

Conditions:
RYR1-related disorder. Also called: RYR1-related condition; RYR1-related disorders. Identifiers: MedGen CN239331.
Malignant hyperthermia, susceptibility to, 1 (MHS1). Also called: Anesthesia related hyperthermia; Malignant hyperpyrexia; Fulminating hyperpyrexia; Pharmacogenic myopathy; RYR1-Related Malignant Hyperthermia Susceptibility; Malignant hyperthermia suceptibility 1. Identifiers: Orphanet 423, MedGen C2930980, MONDO:0007783, OMIM 145600.
Congenital multicore myopathy with external ophthalmoplegia (CMYO1B). Also called: Congenital myopathy 1B, autosomal recessive; Minicore myopathy; MULTIMINICORE DISEASE WITH EXTERNAL OPHTHALMOPLEGIA; MULTICORE MYOPATHY; Minicore myopathy with external ophthalmoplegia. Identifiers: Orphanet 598, Orphanet 98905, MedGen C1850674, MONDO:0009712, OMIM 255320, HP:0003789.
Abnormality of the musculature. Identifiers: MedGen C4021745, HP:0003011.
RYR1-related myopathy. Identifiers: Orphanet 98742, MedGen CN305348, MONDO:0100150.
Centronuclear myopathy (CNM). Also called: Myotubular myopathy; Centronuclear myopathy, congenital. Identifiers: Orphanet 595, MedGen C0175709, MONDO:0018947. Inheritance: All.

Allele frequency attached by ClinVar (database versions not stated): gnomAD exomes below 0.00001 and 0.00001; TOPMed below 0.00001; ExAC 0.00001.
gnomAD v4.1: 4 of 1,613,942 alleles (0.00025%); highest among the groups gnomAD compares: Non-Finnish European, 0.00034%; no homozygotes.

Submissions (12):

ClinGen Congenital Myopathies Variant Curation Expert Panel, ClinGen
Classification: Pathogenic for RYR1-related myopathy. Last evaluated: 2024-08-07. Review status: reviewed by expert panel. Criteria: ClinGen CongenMyopathy ACMG Specifications RYR1 AR V1.0.0. Collection method: curation. Allele origin: germline. Inheritance: Autosomal recessive inheritance.
Comment: The NM_000540.3:c.8888T>C variant in RYR1 is a missense variant predicted to cause substitution of leucine by proline at amino acid 2963 (p.Leu2963Pro). The highest population minor allele frequency in gnomAD v4.1.0 is 0.000002478 (4/1179858 alleles) in the European (non-Finnish) population (PM2_Supporting). The REVEL computational prediction analysis tool gives a score of 0.841, which is above the threshold necessary to apply PP3. This variant has been reported in five probands with RYR1-related myopathy (PM3_VeryStrong). Of those individuals, four were compound heterozygous for the variant and a pathogenic or likely pathogenic variant (c.6721C>T(p.Arg2241Ter), c.14416A>G(p.Asn4806Asp), c.46-1G>A, ) and three of those were confirmed in trans (PMIDs:24951453, 27234031; SCV003761249.1; VCEP internal data). One individual was homozygous for the variant (PMIDs:23826317). The variant has been reported to segregate in one affected sibling from a family (PP1, PMID: 24951453). Western blot analysis of a deltoid muscle extract revealed a strong reduction of the RYR1 protein level by 37% in patient cells compared to a healthy age-matched control, supporting that the variant reduced protein expression (PS3_Supporting, PMID:23826317). In summary, the variant meets the criteria to be classified as Pathogenic for autosomal recessive RYR1-related myopathy. ACMG/AMP criteria met, as specified by the ClinGen Congenital Myopathies VCEP: PM3_VeryStrong, PS3_Supporting, PM2_Supporting, PP1, PP3 (ClinGen Congenital Myopathies VCEP specifications version 1; 8/7/2024).

GeneDx
Classification: Pathogenic. Last evaluated: 2026-01-31. Review status: criteria provided, single submitter. Criteria: GeneDx Variant Classification Process June 2021. Collection method: clinical testing. Allele origin: germline. Not counted in ClinVar's aggregate classification.
Comment: Identified in the heterozygous state without a second RYR1 variant in a clinically asymptomatic individual with hyperCKemia in the published literature (PMID: 31517061); Not observed at significant frequency in large population cohorts (gnomAD); In silico analysis supports that this missense variant has a deleterious effect on protein structure/function; This variant is associated with the following publications: (PMID: 23826317, 25127990, 34426522, 37643885, 24951453, 36833224, 38968056, 38374194, 27234031, 31517061, 12668474)

Dasa
Classification: Pathogenic. Last evaluated: 2025-05-23. Review status: criteria provided, single submitter. Criteria: DASA Assertion Criteria. Collection method: clinical testing. Allele origin: germline. Not counted in ClinVar's aggregate classification.
Comment: NM_000540.3(RYR1):c.8888T>C (p.Leu2963Pro) is a missense variant that results in the substitution of leucine with proline. Segregation evidence has been reported in affected families. This variant has been recurrently observed in affected individuals with related phenotype in a genotype context consistent with recessive disease (PMID: 24951453; PMID: 23826317). Functional evidence supports a deleterious effect on the gene or gene product (PMID: 24951453; PMID: 23826317). Multiple computational predictions support a deleterious effect on the gene or gene product. The variant is present at low frequency in population datasets. Based on the available data, this variant is classified as pathogenic.

Labcorp Genetics (formerly Invitae), Labcorp
Classification: Pathogenic for RYR1-related disorder. Last evaluated: 2025-04-17. Review status: criteria provided, single submitter. Criteria: Invitae Variant Classification Sherloc (09022015). Collection method: clinical testing. Allele origin: germline. Not counted in ClinVar's aggregate classification.
Comment: This sequence change replaces leucine, which is neutral and non-polar, with proline, which is neutral and non-polar, at codon 2963 of the RYR1 protein (p.Leu2963Pro). This variant is present in population databases (rs756870293, gnomAD 0.002%). This missense change has been observed in individuals with autosomal recessive RYR1-related myopathy (PMID: 23826317, 24951453, 27234031). It has also been observed to segregate with disease in related individuals. ClinVar contains an entry for this variant (Variation ID: 642707). Invitae Evidence Modeling of protein sequence and biophysical properties (such as structural, functional, and spatial information, amino acid conservation, physicochemical variation, residue mobility, and thermodynamic stability) indicates that this missense variant is not expected to disrupt RYR1 protein function with a negative predictive value of 80%. Experimental studies have shown that this missense change affects RYR1 function (PMID: 23826317). For these reasons, this variant has been classified as Pathogenic.

Blueprint Genetics
Classification: Pathogenic for RYR1-related disorders. Last evaluated: 2024-09-06. Review status: criteria provided, single submitter. Criteria: ACMG Guidelines, 2015. Collection method: clinical testing. Allele origin: germline. Affected: yes. Observed: 4 variant alleles. Not counted in ClinVar's aggregate classification.

All of Us Research Program, National Institutes of Health
Classification: Uncertain significance for Malignant hyperthermia, susceptibility to, 1. Last evaluated: 2024-03-05. Review status: criteria provided, single submitter. Criteria: ACMG Guidelines, 2015. Collection method: clinical testing. Allele origin: germline. Inheritance: Autosomal dominant inheritance. Observed: 4 variant alleles, 4 heterozygotes. Not counted in ClinVar's aggregate classification.
Comment: This missense variant replaces leucine with proline at codon 2963 of the RYR1 protein. Computational prediction suggests that this variant may have deleterious impact on protein structure and function (internally defined REVEL score threshold >= 0.7, PMID: 27666373). To our knowledge, functional studies have not been reported for this variant. This variant has not been reported in individuals affected with autosomal dominant malignant hyperthermia in the literature, although it is associated with other phenotype(s) (ClinVar variation ID: 642707). This variant has been identified in 2/251486 chromosomes in the general population by the Genome Aggregation Database (gnomAD). Due to insufficient evidence, this variant is classified as a Variant of Uncertain Significance for autosomal dominant malignant hyperthermia.

This study involves interpretation of variants in research participants for the purpose of population health screening. Participant phenotype was not available at the time of variant classification. Additional details can be found in publication PMID: 35346344, PMCID: PMC8962531

Muscle and Diseases Team, Institut de Génétique et Biologie Moléculaire et Cellulaire
Classification: Likely pathogenic for Centronuclear myopathy. Last evaluated: 2024-03-01. Review status: criteria provided, single submitter. Criteria: ACMG Guidelines, 2015. Collection method: research. Allele origin: biparental. Affected: yes. Observed: 2 variant alleles. Not counted in ClinVar's aggregate classification.
Comment: PM2+PM3_Supporting+PP2+PP3+PP4

Broad Center for Mendelian Genomics, Broad Institute of MIT and Harvard
Classification: Likely pathogenic for RYR1-related myopathy. Last evaluated: 2023-01-25. Review status: criteria provided, single submitter. Criteria: ACMG Guidelines, 2015. Collection method: curation. Allele origin: germline. Inheritance: Autosomal recessive inheritance. Not counted in ClinVar's aggregate classification.
Comment: Trio exome analysis revealed that this variant was in trans with a likely pathogenic variant (ClinVar Variation ID: 1524261). The p.Leu2963Pro variant in RYR1 has been previously reported in three unrelated individuals with RYR1-related myopathy (PMID: 27234031, PMID: 24951453, PMID: 24951453), but has been identified in 2/113766 (0.001758%) of non-Finnish European chromosomes by the Genome Aggregation Database (gnomAD; dbSNP ID: rs756870293). Although this variant has been seen in the general population in a heterozygous state, its frequency is low enough to be consistent with a recessive carrier frequency. Of these three affected individuals that were previously reported, one was a homozygote (PMID: 23826317), one who was a compound heterozygote who carried a reported likely pathogenic variant in trans (PMID: 24951453, ClinVar Variation ID: 159856), and one who was a compound heterozygote who carried a likely pathogenic variant in unknown phase (PMID: 27234031, ClinVar Variation ID: 265505), which increases the likelihood that the p.Leu2963Pro variant is pathogenic. This variant has also been reported in ClinVar (Variation ID: 642707) and has been interpreted as pathogenic by Invitae, PerkinElmer Genomics, and Kariminejad - Najmabadi Pathology & Genetics Center. In vitro functional studies provide some evidence that the p.Leu2963Pro variant may slightly impact protein function (PMID: 23826317). However, these types of assays may not accurately represent biological function. Computational prediction tools and conservation analyses suggest that this variant may impact the protein, though this information is not predictive enough to determine pathogenicity. In summary, although additional studies are required to fully establish its clinical significance, this variant meets criteria to be classified as likely pathogenic for autosomal recessive RYR1-related myopathy. ACMG/AMP Criteria applied: PM3_Strong, PS3_Supporting, PM2_Supporting, PP3 (Richards 2015).

Athena Diagnostics
Classification: Likely pathogenic. Last evaluated: 2022-11-04. Review status: criteria provided, single submitter. Criteria: Athena Diagnostics Criteria. Collection method: clinical testing. Allele origin: unknown. Not counted in ClinVar's aggregate classification.
Comment: The frequency of this variant in the general population is consistent with pathogenicity. This variant has been identified in multiple families with an autosomal recessive RYR1-related myopathy, including both congenital and adult-onset forms. Computational tools predict that this variant is damaging.

Human Genome Sequencing Center Clinical Lab, Baylor College of Medicine
Classification: Likely pathogenic for Congenital multicore myopathy with external ophthalmoplegia. Last evaluated: 2022-08-17. Review status: criteria provided, single submitter. Criteria: ACMG Guidelines, 2015. Collection method: clinical testing. Allele origin: unknown. Not counted in ClinVar's aggregate classification.
Comment: Likely path for myopathy.

Kariminejad - Najmabadi Pathology & Genetics Center
Classification: Pathogenic for Abnormality of the musculature. Last evaluated: 2021-07-10. Review status: criteria provided, single submitter. Criteria: ACMG Guidelines, 2015. Collection method: clinical testing. Allele origin: germline. Affected: yes. Not counted in ClinVar's aggregate classification.

Revvity Omics, Revvity
Classification: Pathogenic. Last evaluated: 2021-05-28. Review status: criteria provided, single submitter. Criteria: ACMG Guidelines, 2015. Collection method: clinical testing. Allele origin: germline. Not counted in ClinVar's aggregate classification.

Literature cited by the submitters: PubMed 24951453 (cited by 3 submitters); PubMed 23826317 (cited by 4 submitters); PubMed 27234031 (cited by Labcorp Genetics (formerly Invitae), Labcorp and Athena Diagnostics); DOI 10.1186/s13073-024-01353-0 (cited by Muscle and Diseases Team, Institut de Génétique et Biologie Moléculaire et Cellulaire); PubMed 34426522 (cited by Athena Diagnostics); PubMed 31517061 (cited by Athena Diagnostics).

NM_000540.3(RYR1):c.8888T>C (p.Leu2963Pro)

Gene: RYR1 (ryanodine receptor 1; plus strand). Cytogenetic location: 19q13.2.
Variant type: single nucleotide variant.
Coding change: c.8888T>C on transcript NM_000540.3 (MANE Select); coding-DNA position 8888, T replaced by C.
Protein change: p.Leu2963Pro; replaces leucine 2963 with proline.
Molecular consequence: missense variant.
Genome position (GRCh38, 1-based): chr19:38,507,783, T>C. VCF-style: chr19-38507783-T-C. GRCh37 (hg19) VCF-style: chr19-38998423-T-C.
Other names: NM_000540.3(RYR1):c.8888T>C; p.Leu2963Pro; c.8888T>C, p.Leu2963Pro (NM_001042723.2); short protein forms L2963P.
Identifiers: ClinVar variation 642707 (VCV000642707.43), dbSNP rs756870293, ClinGen allele CA072871.